The following is an entry in ClinVar:

NM_001371727.1(GABRB2):c.58G>A (p.Ala20Thr)

Gene: GABRB2 (gamma-aminobutyric acid type A receptor subunit beta2; minus strand). Cytogenetic location: 5q34.
Variant type: single nucleotide variant.
Coding change: c.58G>A on transcript NM_001371727.1 (MANE Select); coding-DNA position 58, G replaced by A.
Protein change: p.Ala20Thr; replaces alanine 20 with threonine.
Molecular consequence: missense variant.
Genome position (GRCh38, 1-based): chr5:161,546,586, C>T on the plus strand (G>A on the coding strand, the complement: GABRB2 is on the minus strand). VCF-style: chr5-161546586-C-T. GRCh37 (hg19) VCF-style: chr5-160973592-C-T.
Other names: c.58G>A, p.Ala20Thr (NM_000813.3, NM_021911.3); short protein forms A20T.
Identifiers: ClinVar variation 1302523 (VCV001302523.4), dbSNP rs75921414, ClinGen allele CA131044125.

ClinVar aggregate classification (germline): Uncertain significance. Review status: criteria provided, multiple submitters, no conflicts (2 of 4 stars). 2 submissions from 2 submitters: Uncertain significance (2). Last evaluated 2022-05-09.

Conditions:
Inborn genetic diseases. Identifiers: MedGen C0950123, MeSH D030342.

Allele frequency attached by ClinVar (database versions not stated): TOPMed below 0.00001; gnomAD 0.00001.
gnomAD v4.1: 6 of 1,599,694 alleles (0.00038%); highest among the groups gnomAD compares: African/African-American, 0.008%; no homozygotes.

Submissions (2):

Ambry Genetics
Classification: Uncertain significance for Inborn genetic diseases. Last evaluated: 2022-05-09. Review status: criteria provided, single submitter. Criteria: Ambry Variant Classification Scheme 2023. Collection method: clinical testing. Allele origin: germline.

GeneDx
Classification: Uncertain significance. Last evaluated: 2019-05-09. Review status: criteria provided, single submitter. Criteria: GeneDx Variant Classification Process June 2021. Collection method: clinical testing. Allele origin: germline. Affected: yes.
Comment: In silico analysis, which includes protein predictors and evolutionary conservation, supports that this variant does not alter protein structure/function; Has not been previously published as pathogenic or benign to our knowledge